The following is an entry in ClinVar:

ClinVar aggregate classification (germline): Conflicting classifications of pathogenicity. Review status: criteria provided, conflicting classifications (1 of 4 stars). 7 submissions from 7 submitters: Pathogenic (2); Likely pathogenic (4); Uncertain significance (1). Last evaluated 2025-11-27.

Conditions:
Rare genetic deafness. Identifiers: Orphanet 96210, MedGen C5680250.
ADGRV1-related disorder. Also called: ADGRV1-related condition; ADGRV1-related disorders.

Allele frequency attached by ClinVar (database versions not stated): gnomAD exomes below 0.00001 and 0.00001; gnomAD 0.00001; TOPMed 0.00001.
gnomAD v4.1: 9 of 1,613,792 alleles (0.00056%); highest among the groups gnomAD compares: African/African-American, 0.0013%; no homozygotes.

Submissions (7):

Labcorp Genetics (formerly Invitae), Labcorp
Classification: Pathogenic. Last evaluated: 2025-11-27. Review status: criteria provided, single submitter. Criteria: Invitae Variant Classification Sherloc (09022015). Collection method: clinical testing. Allele origin: germline.
Comment: This sequence change replaces arginine, which is basic and polar, with tryptophan, which is neutral and slightly polar, at codon 4789 of the ADGRV1 protein (p.Arg4789Trp). This variant is present in population databases (no rsID available, gnomAD 0.004%). This missense change has been observed in individual(s) with clinical features of Usher syndrome (PMID: 22147658, 26969326; internal data). In at least one individual the data is consistent with being in trans (on the opposite chromosome) from a pathogenic variant. ClinVar contains an entry for this variant (Variation ID: 430362). Invitae Evidence Modeling of protein sequence and biophysical properties (such as structural, functional, and spatial information, amino acid conservation, physicochemical variation, residue mobility, and thermodynamic stability) indicates that this missense variant is not expected to disrupt ADGRV1 protein function with a negative predictive value of 80%. This variant disrupts the p.Arg4789 amino acid residue in ADGRV1. Other variant(s) that disrupt this residue have been observed in individuals with ADGRV1-related conditions (PMID: 23462753), which suggests that this may be a clinically significant amino acid residue. For these reasons, this variant has been classified as Pathogenic.

Women's Health and Genetics/Laboratory Corporation of America, LabCorp
Classification: Uncertain significance. Last evaluated: 2025-06-18. Review status: criteria provided, single submitter. Criteria: LabCorp Variant Classification Summary - May 2015. Collection method: clinical testing. Allele origin: germline.
Comment: Variant summary: ADGRV1 c.14365C>T (p.Arg4789Trp) results in a non-conservative amino acid change in the encoded protein sequence. Algorithms developed to predict the effect of missense changes on protein structure and function are either unavailable or do not agree on the potential impact of this missense change. The variant allele was found at a frequency of 4e-06 in 248800 control chromosomes. c.14365C>T has been observed in compound heterozygous individuals affected with Usher Syndrome (e.g., Besnard_2012, Sloan-Heggen_2016, internal data). These data indicate that the variant may be associated with disease. To our knowledge, no experimental evidence demonstrating an impact on protein function has been reported. The following publications have been ascertained in the context of this evaluation (PMID: 22147658, 26969326). ClinVar contains an entry for this variant (Variation ID: 430362). Based on the evidence outlined above, the variant was classified as VUS-possibly pathogenic.

PreventionGenetics, part of Exact Sciences
Classification: Likely pathogenic for ADGRV1-related condition. Last evaluated: 2025-05-08. Review status: criteria provided, single submitter. Criteria: ACMG Guidelines, 2015. Collection method: clinical testing. Allele origin: germline.
Comment: The ADGRV1 c.14365C>T variant is predicted to result in the amino acid substitution p.Arg4789Trp. This variant has been reported in individuals with Usher syndrome (Besnard et al. 2012. PubMed ID: 22147658; Table S3, Sloan-Heggen et al. 2016. PubMed ID: 26969326). A variant impacting the same amino acid has been reported in individuals with Usher syndrome or non-syndromic hearing loss (p.Arg4789Gln, Chen et al. 2013. PubMed ID: 23462753; Gu et al. 2015. PubMed ID: 24853665). This variant is reported in 0.0065% of alleles in individuals of African descent in gnomAD. This variant is interpreted likely pathogenic.

Blueprint Genetics
Classification: Pathogenic for ADGRV1-related disorders. Last evaluated: 2024-06-04. Review status: criteria provided, single submitter. Criteria: ACMG Guidelines, 2015. Collection method: clinical testing. Allele origin: germline. Affected: yes. Observed: 5 variant alleles.

Athena Diagnostics
Classification: Likely pathogenic. Last evaluated: 2023-12-22. Review status: criteria provided, single submitter. Criteria: Athena Diagnostics Criteria. Collection method: clinical testing. Allele origin: unknown.
Comment: The frequency of this variant in the general population is consistent with pathogenicity. This variant has been identified in at least one individual with clinical features associated with this gene. In multiple individuals, this variant has been seen with a single recessive pathogenic variant in the same gene, suggesting this variant may also be pathogenic. Computational tools predict that this variant is damaging.

Laboratory for Molecular Medicine, Mass General Brigham Personalized Medicine
Classification: Likely pathogenic for Rare genetic deafness. Last evaluated: 2016-11-19. Review status: criteria provided, single submitter. Criteria: LMM Criteria. Collection method: clinical testing. Allele origin: germline. Inheritance: Autosomal recessive inheritance. Observed: 1 variant allele.
Comment: The p.Arg4789Trp variant in GPR98 has been reported in 1 individual with Usher s yndrome who was compound heterozygous for a second pathogenic variant in GPR98 ( Besnard 2012). This variant was absent from large population studies. Computati onal prediction tools and conservation analyses suggest that this variant may im pact the protein, though this information is not predictive enough to determine pathogenicity. In summary, although additional studies are required to fully est ablish its clinical significance, this variant is likely pathogenic.

GeneDx
Classification: Likely pathogenic. Last evaluated: 2015-08-18. Review status: criteria provided, single submitter. Criteria: GeneDx Variant Classification (06012015). Collection method: clinical testing. Allele origin: germline. Affected: yes.
Comment: The R4789W variant has been reported previously as a likely pathogenic variant in a cohort of patients diagnosed with Usher syndrome type 2 (Besnard et al. 2012). The R4789W variant was not observed in approximately 6,500 individuals of European and African American ancestry in the NHLBI Exome Sequencing Project, indicating it is not a common benign variant in these populations. The R4789W variant is a non-conservative amino acid substitution, which is likely to impact secondary protein structure as these residues differ in polarity, charge, size and/or other properties. This substitution occurs at a position that is conserved across species. In silico analysis predicts this variant is probably damaging to the protein structure/function. Missense variants in this residue and in a nearby residue (R4789Q, N4885S) have been reported in the Human Gene Mutation Database in association with Usher syndrome (Stenson et al., 2014). Therefore, based on the currently available information, R4789W is a candidate for a disease-causing variant, although the possibility that it is a benign polymorphism cannot be completely excluded.

Literature cited by the submitters: PubMed 22147658 (cited by 4 submitters); PubMed 26969326 (cited by 3 submitters); PubMed 23462753 (cited by Labcorp Genetics (formerly Invitae), Labcorp).

NM_032119.4(ADGRV1):c.14365C>T (p.Arg4789Trp)

Gene: ADGRV1 (adhesion G protein-coupled receptor V1; plus strand). Cytogenetic location: 5q14.3.
Variant type: single nucleotide variant.
Coding change: c.14365C>T on transcript NM_032119.4 (MANE Select); coding-DNA position 14365, C replaced by T.
Protein change: p.Arg4789Trp; replaces arginine 4789 with tryptophan.
Molecular consequence: missense variant. On other transcripts: non-coding transcript variant (1).
Genome position (GRCh38, 1-based): chr5:90,791,194, C>T. VCF-style: chr5-90791194-C-T. GRCh37 (hg19) VCF-style: chr5-90087011-C-T.
Other names: short protein forms R4789W.
Identifiers: ClinVar variation 430362 (VCV000430362.23), dbSNP rs1131691924, ClinGen allele CA360401651.